The following is an entry in ClinVar:

ClinVar aggregate classification (germline): Pathogenic (1 of 4 stars; one submission).

Submission:

Labcorp Genetics (formerly Invitae), Labcorp
Classification: Pathogenic. Last evaluated: 2019-10-26. Review status: criteria provided, single submitter. Criteria: Invitae Variant Classification Sherloc (09022015). Collection method: clinical testing. Allele origin: germline.
Comment: This variant is an in-frame deletion of the genomic region encompassing exons 22-24 of the USH2A gene. It preserves the integrity of the reading frame. Similar deletions of exons 22-24 have been observed in individuals affected with Usher syndrome (PMID: 25804404, 27460420). For these reasons, this variant has been classified as Pathogenic.

Literature cited by the submitters: PubMed 25804404; PubMed 27460420.

NC_000001.11:g.(?_216086709)_(216097223_?)del

Gene: USH2A (usherin; minus strand). Cytogenetic location: 1q41.
Variant type: Deletion.
Identifiers: ClinVar variation 832001 (VCV000832001.1).